The following is an entry in ClinVar:

ClinVar aggregate classification (germline): Pathogenic. Review status: criteria provided, single submitter (1 of 4 stars). 2 submissions from 2 submitters: Pathogenic (1). 1 of the submissions does not count toward it. Last evaluated 2026-01-23.

Conditions:
Gaucher disease type I (GD1). Also called: Type 1 Gaucher Disease; GAUCHER DISEASE, NONCEREBRAL JUVENILE; GBA DEFICIENCY; GD I; GLUCOCEREBROSIDASE DEFICIENCY; GD 1. Identifiers: Orphanet 355, Orphanet 77259, MedGen C1961835, MONDO:0009265, OMIM 230800.
Gaucher disease. Also called: Acute cerebral Gaucher disease; Cerebroside lipidosis syndrome; Gaucher splenomegaly; Sphingolipidosis 1; Glucocerebrosidosis; Glucosylceramidase deficiency. Identifiers: Orphanet 355, MedGen C0017205, MONDO:0018150.

Submissions (2):

Natera, Inc.
Classification: Pathogenic for Gaucher disease. Last evaluated: 2026-01-23. Review status: criteria provided, single submitter. Criteria: Natera Variant Classification Schema (03/2026). Collection method: clinical testing. Allele origin: germline.
Comment: The c.1388+2T>C variant in GBA1 is a canonical splice donor site variant predicted to affect pre-mRNA splicing, which may result in an abnormal transcript and altered protein product. This variant is expected to result in nonsense mediated decay, truncation, or a dysfunctional protein product. This variant is rare in the general population with a frequency below the threshold expected for the associated phenotype(s). Another variant at this same site results in an alteration predicted to cause a similar molecular effect has been observed in individual(s) with the associated phenotype. Given the available evidence, this variant is classified as Pathogenic.

Baylor Genetics
Classification: Likely pathogenic for Gaucher disease type I. Review status: no assertion criteria provided. Collection method: clinical testing. Allele origin: unknown. Not counted in ClinVar's aggregate classification.

NM_000157.4(GBA1):c.1388+2T>C

Genes: GBA1 (glucosylceramidase beta 1; minus strand), LOC106627981 (GBA recombination region; plus strand). Cytogenetic location: 1q22.
Variant type: single nucleotide variant.
Coding change: c.1388+2T>C on transcript NM_000157.4 (MANE Select); the canonical splice donor site of the intron after coding-DNA position 1388, T replaced by C.
Molecular consequence: splice donor variant.
Genome position (GRCh38, 1-based): chr1:155,235,679, A>G on the plus strand (T>C on the coding strand, the complement: GBA1 is on the minus strand). VCF-style: chr1-155235679-A-G. GRCh37 (hg19) VCF-style: chr1-155205470-A-G.
Other names: c.1388+2T>C (NM_000157.3, NM_001005742.3, NM_001005741.3); c.1127+2T>C (NM_001171811.2); c.1241+2T>C (NM_001171812.2).
Identifiers: ClinVar variation 813335 (VCV000813335.3), dbSNP rs1571965880, ClinGen allele CA342712209.
Genomic context (GRCh38, chr1:155,235,679, plus strand): 5'-AGCCATCCGATGTAGGAGATGATAGGCCTGGTATGGAATGGGGGTGCCCGCCCTCCACTC[A>G]CCTGAAGTGGCCAAGGTGGTAGAACATGGGCTGTTTGTAAAACGTGTCCTTGGTGATGTC-3'